The following is an entry in ClinVar:

NM_006767.4(LZTR1):c.486G>A (p.Trp162Ter)

Gene: LZTR1 (leucine zipper like post translational regulator 1; plus strand). Cytogenetic location: 22q11.21.
Variant type: single nucleotide variant.
Coding change: c.486G>A on transcript NM_006767.4 (MANE Select); coding-DNA position 486, G replaced by A.
Protein change: p.Trp162Ter; replaces tryptophan 162 with a stop codon.
Molecular consequence: nonsense.
Genome position (GRCh38, 1-based): chr22:20,988,095, G>A. VCF-style: chr22-20988095-G-A. GRCh37 (hg19) VCF-style: chr22-21342384-G-A.
Other names: c.486G>A (NM_006767.3); short protein forms W162*.
Identifiers: ClinVar variation 634828 (VCV000634828.13), dbSNP rs1569154722, ClinGen allele CA410779891.

ClinVar aggregate classification (germline): Pathogenic. Review status: criteria provided, multiple submitters, no conflicts (2 of 4 stars). 3 submissions from 3 submitters: Pathogenic (3). Last evaluated 2025-12-16.

Conditions:
LZTR1-related schwannomatosis. Also called: Schwannomatosis-2, susceptibility to; Schwannomatosis 2. Identifiers: Orphanet 93921, MedGen C3810283, MONDO:0014299, OMIM 615670.
Hereditary cancer-predisposing syndrome. Also called: Tumor predisposition; Hereditary neoplastic syndrome; Neoplastic Syndromes, Hereditary; Hereditary Cancer Syndrome. Identifiers: Orphanet 140162, MedGen C0027672, MeSH D009386, MONDO:0015356.
Cardiovascular phenotype. Identifiers: MedGen CN230736.

Allele frequency attached by ClinVar (database versions not stated): gnomAD exomes below 0.00001.
gnomAD v4.1: 3 of 1,611,818 alleles (0.00019%); highest among the groups gnomAD compares: East Asian, 0.0022%; no homozygotes.

Submissions (3):

Labcorp Genetics (formerly Invitae), Labcorp
Classification: Pathogenic. Last evaluated: 2025-12-16. Review status: criteria provided, single submitter. Criteria: Invitae Variant Classification Sherloc (09022015). Collection method: clinical testing. Allele origin: germline.
Comment: This sequence change creates a premature translational stop signal (p.Trp162*) in the LZTR1 gene. It is expected to result in an absent or disrupted protein product. Loss-of-function variants in LZTR1 are known to be pathogenic (PMID: 24362817, 25335493, 25480913, 25795793, 29469822, 30368668, 30442762, 30442766, 30481304, 30859559). This variant is not present in population databases (gnomAD no frequency). This variant has not been reported in the literature in individuals affected with LZTR1-related conditions. ClinVar contains an entry for this variant (Variation ID: 634828). For these reasons, this variant has been classified as Pathogenic.

Ambry Genetics
Classification: Pathogenic for Cardiovascular phenotype; Hereditary cancer-predisposing syndrome. Last evaluated: 2025-03-10. Review status: criteria provided, single submitter. Criteria: Ambry Variant Classification Scheme 2023. Collection method: clinical testing. Allele origin: germline.
Comment: The p.W162* pathogenic mutation (also known as c.486G>A), located in coding exon 5 of the LZTR1 gene, results from a G to A substitution at nucleotide position 486. This changes the amino acid from a tryptophan to a stop codon within coding exon 5. This variant is considered to be rare based on population cohorts in the Genome Aggregation Database (gnomAD). This alteration is expected to result in loss of function by premature protein truncation or nonsense-mediated mRNA decay. Loss-of-function variants in LZTR1 are related to an increased risk for schwannomas and autosomal recessive Noonan syndrome; however, such associations with autosomal dominant Noonan syndrome have not been observed (Piotrowski A et al. Nat Genet. 2014 Feb;46:182-7; Yamamoto GL et al. J Med Genet. 2015 Jun;52:413-21; Johnston JJ et al. Genet Med. 2018 10;20:1175-1185). Based on the supporting evidence, this variant is pathogenic for an increased risk of LZTR1-related schwannomatosis (SWN) and would be expected to cause autosomal recessive Noonan syndrome when present along with a second pathogenic or likely pathogenic variant on the other allele; however, the association of this alteration with autosomal dominant Noonan syndrome is unlikely.

Baylor-Hopkins Center for Mendelian Genomics, Johns Hopkins University School of Medicine
Classification: Pathogenic for LZTR1-related schwannomatosis. Review status: criteria provided, single submitter. Criteria: ACMG Guidelines, 2015. Collection method: research. Allele origin: unknown. Affected: yes. Observed: 1 variant allele, 1 heterozygote.

Literature cited by the submitters: PubMed 24362817 (cited by Labcorp Genetics (formerly Invitae), Labcorp); PubMed 25335493 (cited by Labcorp Genetics (formerly Invitae), Labcorp); PubMed 25480913 (cited by Labcorp Genetics (formerly Invitae), Labcorp); PubMed 25795793 (cited by Labcorp Genetics (formerly Invitae), Labcorp); PubMed 29469822 (cited by Labcorp Genetics (formerly Invitae), Labcorp); PubMed 30368668 (cited by Labcorp Genetics (formerly Invitae), Labcorp); PubMed 30442762 (cited by Labcorp Genetics (formerly Invitae), Labcorp); PubMed 30442766 (cited by Labcorp Genetics (formerly Invitae), Labcorp); PubMed 30481304 (cited by Labcorp Genetics (formerly Invitae), Labcorp); PubMed 30859559 (cited by Labcorp Genetics (formerly Invitae), Labcorp).